The following is an entry in ClinVar:

NM_000257.4(MYH7):c.5342G>A (p.Arg1781His)

Gene: MYH7 (myosin heavy chain 7; minus strand). Cytogenetic location: 14q11.2.
Variant type: single nucleotide variant.
Coding change: c.5342G>A on transcript NM_000257.4 (MANE Select); coding-DNA position 5342, G replaced by A.
Protein change: p.Arg1781His; replaces arginine 1781 with histidine.
Molecular consequence: missense variant.
Genome position (GRCh38, 1-based): chr14:23,415,212, C>T on the plus strand (G>A on the coding strand, the complement: MYH7 is on the minus strand). VCF-style: chr14-23415212-C-T. GRCh37 (hg19) VCF-style: chr14-23884421-C-T.
Other names: NM_000257.4(MYH7):c.5342G>A; short protein forms R1781H.
Identifiers: ClinVar variation 43064 (VCV000043064.30), dbSNP rs397516246, ClinGen allele CA015985.

ClinVar aggregate classification (germline): Uncertain significance. Review status: reviewed by expert panel (3 of 4 stars). 9 submissions from 9 submitters: Uncertain significance (1). 8 of the submissions do not count toward it. Last evaluated 2021-08-25.

Conditions:
Dilated cardiomyopathy 1S (CMD1S). Identifiers: Orphanet 154, Orphanet 54260, MedGen C1834481, MONDO:0013262, OMIM 613426.
Hypertrophic cardiomyopathy 1 (CMH1). Also called: Familial hypertrophic cardiomyopathy 1; MYH7-Related Familial Hypertrophic Cardiomyopathy. Identifiers: MedGen C3495498, MONDO:0008647, OMIM 192600.
Myopathy, myosin storage, autosomal recessive (CMYO7B). Also called: CONGENITAL MYOPATHY 7B, MYOSIN STORAGE, AUTOSOMAL RECESSIVE. Identifiers: Orphanet 636970, MedGen C1850709, MONDO:0009708, OMIM 255160.
MYH7-related skeletal myopathy. Also called: Myopathy, distal, 1; Laing distal myopathy; Laing early-onset distal myopathy; MYOPATHY, DISTAL, EARLY-ONSET, AUTOSOMAL DOMINANT; MYOPATHY, LATE DISTAL HEREDITARY. Identifiers: Orphanet 59135, MedGen C4552004, MONDO:0008050, OMIM 160500.
Myosin storage myopathy (CMYO7A). Also called: MYOPATHY, HYALINE BODY, AUTOSOMAL DOMINANT; MYOPATHY WITH LYSIS OF TYPE I MYOFIBRILS; SCAPULOPERONEAL MUSCULAR DYSTROPHY; SCAPULOPERONEAL SYNDROME, MYOPATHIC TYPE; MYH7-related late-onset scapuloperoneal muscular dystrophy; Congenital myopathy 7A, myosin storage, autosomal dominant. Identifiers: Orphanet 437572, Orphanet 636965, MedGen C1842160, MONDO:0008409, OMIM 608358.
Congenital myopathy with fiber type disproportion. Also called: Congenital fiber-type disproportion myopathy; Congenital fiber-type disproportion. Identifiers: Orphanet 2020, MedGen C0546264, MONDO:0009711. Inheritance: all.
Cardiovascular phenotype. Identifiers: MedGen CN230736.
Cardiomyopathy (CMYO). Also called: Cardiomyopathies. Identifiers: Orphanet 167848, MedGen C0878544, MONDO:0004994, HP:0001638. Inheritance: Various modes of inheritance.
Hypertrophic cardiomyopathy. Also called: HYPERTROPHIC MYOCARDIOPATHY. Identifiers: Orphanet 217569, MedGen C0007194, MeSH D002312, MONDO:0005045, HP:0001639.

Allele frequency attached by ClinVar (database versions not stated): gnomAD 0.00002 and 0.00003; ExAC 0.00001; gnomAD exomes 0.00001 and 0.00002; TOPMed 0.00002.
gnomAD v4.1: 27 of 1,614,240 alleles (0.0017%); highest among the groups gnomAD compares: South Asian, 0.0033%; no homozygotes.

Submissions (9):

ClinGen Cardiomyopathy Variant Curation Expert Panel
Classification: Uncertain significance for Hypertrophic cardiomyopathy. Last evaluated: 2021-08-25. Review status: reviewed by expert panel. Criteria: ClinGen CMP ACMG Specifications v1. Collection method: curation. Allele origin: germline. Inheritance: Autosomal dominant inheritance.
Comment: The c.5342G>A (p.Arg1781His) variant in MYH7 has been identified in at least 12 individuals with HCM (PS4_Moderate; Lopes 2015 PMID: 25351510; Walsh 2017 PMID: 27532257; GeneDx pers comm; Invitae pers comm; LMM pers comm; OMGL pers comm). This variant was identified in 0.00116% (FAF 95% CI; 2/30616) of South Asian chromosomes by gnomAD v2.1.1 (PM2). Computational prediction tools and conservation analysis suggest that this variant may impact the protein (PP3). In summary, due to a lack of evidence, this variant is classified as uncertain significance for hypertrophic cardiomyopathy in an autosomal dominant manner. MYH7-specific ACMG/AMP criteria applied (Kelly 2018 PMID:29300372): PS4_Moderate, PM2, PP3.

Ambry Genetics
Classification: Uncertain significance for Cardiovascular phenotype. Last evaluated: 2026-07-14. Review status: criteria provided, single submitter. Criteria: Ambry Variant Classification Scheme 2023. Collection method: clinical testing. Allele origin: germline. Not counted in ClinVar's aggregate classification.
Comment: The p.R1781H variant (also known as c.5342G>A), located in coding exon 35 of the MYH7 gene, results from a G to A substitution at nucleotide position 5342. The arginine at codon 1781 is replaced by histidine, an amino acid with highly similar properties. This variant was reported in individual(s) with features consistent with hypertrophic cardiomyopathy; however, in some instances clinical detail was limited or co-occurring variants were present, and some reports may overlap (Laredo R et al. Rev Esp Cardiol, 2006 Oct;59:1008-18; Lopes LR et al. J. Med. Genet., 2013 Apr;50:228-39; Walsh R et al. Genet. Med., 2017 02;19:192-203; Mademont-Soler I et al. PLoS ONE, 2017 Aug;12:e0181465; Mazzarotto F et al. Genet. Med., 2019 02;21:284-292; Azevedo O et al. Am. Heart J., 2020 Apr;226:114-126). This amino acid position is highly conserved in available vertebrate species. In addition, this alteration is predicted to be deleterious by in silico analysis. Based on the available evidence, the clinical significance of this variant remains unclear.

Labcorp Genetics (formerly Invitae), Labcorp
Classification: Pathogenic for Hypertrophic cardiomyopathy. Last evaluated: 2026-01-19. Review status: criteria provided, single submitter. Criteria: Invitae Variant Classification Sherloc (09022015). Collection method: clinical testing. Allele origin: germline. Not counted in ClinVar's aggregate classification.
Comment: This sequence change replaces arginine, which is basic and polar, with histidine, which is basic and polar, at codon 1781 of the MYH7 protein (p.Arg1781His). This variant is present in population databases (rs397516246, gnomAD 0.003%). This missense change has been observed in individuals with hypertrophic cardiomyopathy (PMID: 17125710, 27532257; internal data). ClinVar contains an entry for this variant (Variation ID: 43064). Invitae Evidence Modeling of protein sequence and biophysical properties (such as structural, functional, and spatial information, amino acid conservation, physicochemical variation, residue mobility, and thermodynamic stability) indicates that this missense variant is expected to disrupt MYH7 protein function with a positive predictive value of 95%. For these reasons, this variant has been classified as Pathogenic.

Color Diagnostics, LLC DBA Color Health
Classification: Likely pathogenic for Cardiomyopathy. Last evaluated: 2025-06-17. Review status: criteria provided, single submitter. Criteria: ACMG Guidelines, 2015. Collection method: clinical testing. Allele origin: germline. Not counted in ClinVar's aggregate classification.
Comment: This missense variant replaces arginine with histidine at codon 1781 in the LMM domain of the MYH7 protein. Computational prediction suggests that this variant may have a deleterious impact on protein structure and function. To our knowledge, functional studies have not been reported for this variant. This variant has been reported in more than ten individuals affected with hypertrophic cardiomyopathy (PMID: 17125710, 23396983, 25351510, 27532257, 28771489, 29875424, 32531501, 33495597communication with an external laboratoryClinVar SCV000284285.6). It has also been reported in an individual affected with sudden cardiac death (PMID: 35276540). This variant has been identified in 27/1614240 chromosomes in the general population by the Genome Aggregation Database (gnomAD). Based on the available evidence, this variant is classified as Likely Pathogenic.

Laboratory for Molecular Medicine, Mass General Brigham Personalized Medicine
Classification: Uncertain significance. Last evaluated: 2023-08-07. Review status: criteria provided, single submitter. Criteria: ACMG Guidelines, 2015. Collection method: clinical testing. Allele origin: germline. Not counted in ClinVar's aggregate classification.
Comment: proposed classification - variant undergoing re-assessment, contact laboratory

Blueprint Genetics
Classification: Uncertain significance. Last evaluated: 2022-06-20. Review status: criteria provided, single submitter. Criteria: ACMG Guidelines, 2015. Collection method: clinical testing. Allele origin: germline. Not counted in ClinVar's aggregate classification.

GeneDx
Classification: Uncertain significance. Last evaluated: 2022-01-19. Review status: criteria provided, single submitter. Criteria: GeneDx Variant Classification Process June 2021. Collection method: clinical testing. Allele origin: germline. Affected: yes. Not counted in ClinVar's aggregate classification.
Comment: Variant reported in multiple unrelated individuals with HCM in the published literature or referred for genetic testing at GeneDx; however, few clinical details were provided and some individuals harbor additional cardiogenetic variants (Laredo et al., 2006; Kaski et al., 2009; Lopes et al., 2015; Homburger et al., 2016; Alamo et al., 2017; Mademont-Soler et al., 2017; Walsh et al., 2017); Not observed at a significant frequency in large population cohorts (gnomAD); In silico analysis, which includes protein predictors and evolutionary conservation, supports a deleterious effect; Reported in ClinVar (ClinVar Variant ID# 43064; ClinVar); This variant is associated with the following publications: (PMID: 27532257, 17125710, 20031618, 25351510, 28606303, 28771489, 27247418, 29687901, 24111713, 32531501)

Fulgent Genetics
Classification: Uncertain significance for MYH7-related skeletal myopathy; Myosin storage myopathy; Hypertrophic cardiomyopathy 1; Myopathy, myosin storage, autosomal recessive; Congenital myopathy 4A, autosomal dominant; Dilated cardiomyopathy 1S. Last evaluated: 2021-09-04. Review status: criteria provided, single submitter. Criteria: ACMG Guidelines, 2015. Collection method: clinical testing. Allele origin: unknown. Not counted in ClinVar's aggregate classification.

Centre for Mendelian Genomics, University Medical Centre Ljubljana
Classification: Uncertain significance for Hypertrophic cardiomyopathy. Last evaluated: 2014-01-21. Review status: criteria provided, single submitter. Criteria: ACMG Guidelines, 2015. Collection method: clinical testing. Allele origin: unknown. Affected: yes. Not counted in ClinVar's aggregate classification.

Literature cited by the submitters: PubMed 17125710 (cited by 4 submitters); PubMed 23396983 (cited by Ambry Genetics and Color Diagnostics, LLC DBA Color Health); PubMed 27532257 (cited by 4 submitters); PubMed 28606303 (cited by Ambry Genetics); PubMed 28771489 (cited by Ambry Genetics and Color Diagnostics, LLC DBA Color Health); PubMed 28840316 (cited by Ambry Genetics); PubMed 29687901 (cited by Ambry Genetics); PubMed 29875424 (cited by Ambry Genetics and Color Diagnostics, LLC DBA Color Health); PubMed 32531501 (cited by Ambry Genetics and Color Diagnostics, LLC DBA Color Health); PubMed 34495297 (cited by Ambry Genetics); PubMed 34542152 (cited by Ambry Genetics); PubMed 35276540 (cited by Ambry Genetics and Color Diagnostics, LLC DBA Color Health); PubMed 25351510 (cited by Color Diagnostics, LLC DBA Color Health and Laboratory for Molecular Medicine, Mass General Brigham Personalized Medicine); PubMed 33495597 (cited by Color Diagnostics, LLC DBA Color Health); PubMed 24111713 (cited by Laboratory for Molecular Medicine, Mass General Brigham Personalized Medicine).